The following is an entry in ClinVar:

ClinVar aggregate classification (germline): Uncertain significance (1 of 4 stars; one submission).

Submission:

Labcorp Genetics (formerly Invitae), Labcorp
Classification: Uncertain significance. Last evaluated: 2024-08-11. Review status: criteria provided, single submitter. Criteria: Invitae Variant Classification Sherloc (09022015). Collection method: clinical testing. Allele origin: germline.
Comment: This sequence change creates a premature translational stop signal (p.Cys232Alafs*174) in the FBN3 gene. It is expected to result in an absent or disrupted protein product. However, the current clinical and genetic evidence is not sufficient to establish whether loss-of-function variants in FBN3 cause disease. This variant is present in population databases (no rsID available, gnomAD 0.003%). This variant has not been reported in the literature in individuals affected with FBN3-related conditions. In summary, the available evidence is currently insufficient to determine the role of this variant in disease. Therefore, it has been classified as a Variant of Uncertain Significance.

NM_032447.5(FBN3):c.693del (p.Cys232fs)

Gene: FBN3 (fibrillin 3; minus strand). Cytogenetic location: 19p13.2.
Variant type: Deletion.
Coding change: c.693del on transcript NM_032447.5 (MANE Select); coding-DNA position 693, one base deleted (C; older notation c.693delC).
Protein change: p.Cys232fs; shifts the reading frame from cysteine 232.
Molecular consequence: frameshift variant.
Genome position (GRCh38, 1-based): chr19:8,141,986, G deleted on the plus strand (C on the coding strand, the reverse complement: FBN3 is on the minus strand); the first of 4 consecutive G bases (chr19:8,141,986-8,141,989); deleting any one gives the same sequence. VCF-style (leftmost placement, unchanged base first): chr19-8141985-AG-A. GRCh37 (hg19) VCF-style: chr19-8206869-AG-A.
Other names: c.693del, p.Cys232fs (NM_001321431.2); short protein forms C232fs.
Identifiers: ClinVar variation 3679356 (VCV003679356.2).